The following is an entry in ClinVar:

NM_000124.4(ERCC6):c.605C>G (p.Ala202Gly)

Gene: ERCC6 (ERCC excision repair 6, chromatin remodeling factor; minus strand). Cytogenetic location: 10q11.23.
Variant type: single nucleotide variant.
Coding change: c.605C>G on transcript NM_000124.4 (MANE Select); coding-DNA position 605, C replaced by G.
Protein change: p.Ala202Gly; replaces alanine 202 with glycine.
Molecular consequence: missense variant.
Genome position (GRCh38, 1-based): chr10:49,528,464, G>C on the plus strand (C>G on the coding strand, the complement: ERCC6 is on the minus strand). VCF-style: chr10-49528464-G-C. GRCh37 (hg19) VCF-style: chr10-50736510-G-C.
Other names: c.605C>G, p.Ala202Gly (NM_001277058.2, NM_001277059.2, NM_001346440.2); short protein forms A202G.
Identifiers: ClinVar variation 2135934 (VCV002135934.4), dbSNP rs1837392547, ClinGen allele CA376709228.

ClinVar aggregate classification (germline): Uncertain significance (1 of 4 stars; one submission).

Allele frequency attached by ClinVar (database versions not stated): gnomAD 0.00001; TOPMed 0.00001.
gnomAD v4.1: 2 of 1,614,004 alleles (0.00012%); highest among the groups gnomAD compares: African/African-American, 0.0027%; no homozygotes.

Submission:

Labcorp Genetics (formerly Invitae), Labcorp
Classification: Uncertain significance. Last evaluated: 2024-11-18. Review status: criteria provided, single submitter. Criteria: Invitae Variant Classification Sherloc (09022015). Collection method: clinical testing. Allele origin: germline.
Comment: This sequence change replaces alanine, which is neutral and non-polar, with glycine, which is neutral and non-polar, at codon 202 of the ERCC6 protein (p.Ala202Gly). This variant is not present in population databases (gnomAD no frequency). This variant has not been reported in the literature in individuals affected with ERCC6-related conditions. ClinVar contains an entry for this variant (Variation ID: 2135934). Invitae Evidence Modeling of protein sequence and biophysical properties (such as structural, functional, and spatial information, amino acid conservation, physicochemical variation, residue mobility, and thermodynamic stability) indicates that this missense variant is not expected to disrupt ERCC6 protein function with a negative predictive value of 95%. In summary, the available evidence is currently insufficient to determine the role of this variant in disease. Therefore, it has been classified as a Variant of Uncertain Significance.